The following is an entry in ClinVar:

ClinVar aggregate classification (germline): Conflicting classifications of pathogenicity. Review status: criteria provided, conflicting classifications (1 of 4 stars). 3 submissions from 3 submitters: Uncertain significance (2); Likely benign (1). Last evaluated 2025-09-23.

Conditions:
Hereditary cancer-predisposing syndrome. Also called: Hereditary Cancer Syndrome; Neoplastic Syndromes, Hereditary; Hereditary neoplastic syndrome; Tumor predisposition. Identifiers: Orphanet 140162, MedGen C0027672, MeSH D009386, MONDO:0015356.
Hereditary nonpolyposis colorectal neoplasms. Identifiers: MedGen C0009405, MeSH D003123.

Allele frequency attached by ClinVar (database versions not stated): gnomAD exomes below 0.00001; ExAC 0.00001.
gnomAD v4.1: 1 of 1,610,418 alleles (0.000062%); highest among the groups gnomAD compares: Non-Finnish European, 0.000085%; no homozygotes.

Submissions (3):

Color Diagnostics, LLC DBA Color Health
Classification: Uncertain significance for Hereditary cancer-predisposing syndrome. Last evaluated: 2025-09-23. Review status: criteria provided, single submitter. Criteria: ACMG Guidelines, 2015. Collection method: clinical testing. Allele origin: germline.
Comment: This missense variant replaces alanine with valine at codon 34 of the MSH6 protein. Computational prediction suggests that this variant may not impact protein structure and function. To our knowledge, functional studies have not been reported for this variant. This variant has not been reported in individuals affected with MSH6-related disorders in the literature. This variant has been identified in 1/235292 chromosomes in the general population by the Genome Aggregation Database (gnomAD). The available evidence is insufficient to determine the role of this variant in disease conclusively. Therefore, this variant is classified as a Variant of Uncertain Significance.

Ambry Genetics
Classification: Uncertain significance for Hereditary cancer-predisposing syndrome. Last evaluated: 2025-09-10. Review status: criteria provided, single submitter. Criteria: Ambry Variant Classification Scheme 2023. Collection method: clinical testing. Allele origin: germline.
Comment: The p.A34V variant (also known as c.101C>T), located in coding exon 1 of the MSH6 gene, results from a C to T substitution at nucleotide position 101. The alanine at codon 34 is replaced by valine, an amino acid with similar properties. This amino acid position is well conserved in available vertebrate species. In addition, this alteration is predicted to be tolerated by in silico analysis. Since supporting evidence is limited at this time, the clinical significance of this alteration remains unclear.

Labcorp Genetics (formerly Invitae), Labcorp
Classification: Likely benign for Hereditary nonpolyposis colorectal neoplasms. Last evaluated: 2024-04-15. Review status: criteria provided, single submitter. Criteria: Invitae Variant Classification Sherloc (09022015). Collection method: clinical testing. Allele origin: germline.

NM_000179.3(MSH6):c.101C>T (p.Ala34Val)

Gene: MSH6 (mutS homolog 6; plus strand). Cytogenetic location: 2p16.3.
Variant type: single nucleotide variant.
Coding change: c.101C>T on transcript NM_000179.3 (MANE Select); coding-DNA position 101, C replaced by T.
Protein change: p.Ala34Val; replaces alanine 34 with valine.
Molecular consequence: missense variant. On other transcripts: 5 prime UTR variant (1).
Genome position (GRCh38, 1-based): chr2:47,783,334, C>T. VCF-style: chr2-47783334-C-T. GRCh37 (hg19) VCF-style: chr2-48010473-C-T.
Other names: c.101C>T, p.Ala34Val (NM_001281492.2); c.-636C>T (NM_001281493.2); short protein forms A34V.
Identifiers: ClinVar variation 428359 (VCV000428359.12), dbSNP rs746624223, ClinGen allele CA067035.